The following is an entry in ClinVar:

NM_001148.6(ANK2):c.5305A>G (p.Lys1769Glu)

Genes: ANK2 (ankyrin 2; plus strand), LOC126807136 (MED14-independent group 3 enhancer GRCh37_chr4:114274931-114276130; plus strand). Cytogenetic location: 4q26.
Variant type: single nucleotide variant.
Coding change: c.5305A>G on transcript NM_001148.6 (MANE Select); coding-DNA position 5305, A replaced by G.
Protein change: p.Lys1769Glu; replaces lysine 1769 with glutamic acid.
Molecular consequence: missense variant. On other transcripts: intron variant (68).
Genome position (GRCh38, 1-based): chr4:113,353,923, A>G. VCF-style: chr4-113353923-A-G. GRCh37 (hg19) VCF-style: chr4-114275079-A-G.
Other names: c.5071A>G, p.Lys1691Glu (NM_001386142.1); c.1705A>G, p.Lys569Glu (NM_001386166.1); c.5446A>G, p.Lys1816Glu (NM_001386174.1); c.5422A>G, p.Lys1808Glu (NM_001386175.1); c.4411+3674A>G (NM_001386186.2, NM_001386148.2); c.4213+3674A>G (NM_001354269.3); c.4291+3674A>G (NM_001386187.2); c.4252+3674A>G (NM_001386147.1); and 35 more; short protein forms K1691E, K1808E, K1816E, K1769E, K569E.
Identifiers: ClinVar variation 1435674 (VCV001435674.6), dbSNP rs1352494306, ClinGen allele CA357918672.
Genomic context (GRCh38, chr4:113,353,923, plus strand): 5'-CCCACTGTCAAGGCCACATCTCCTTTGATAGAAGAAACTCCCATTGGTTCCATAAAGGAC[A>G]AAGTAAAGGCCCTTCAGAAGCGAGTGGAAGATGAACAGAAAGGTCGAAGCAAGTTGCCCA-3'
Protein context (NP_001139.3, residues 1759-1779): EETPIGSIKD[Lys1769Glu]VKALQKRVED

ClinVar aggregate classification (germline): Uncertain significance (1 of 4 stars; one submission).

Conditions:
Long QT syndrome (LQTS). Identifiers: MedGen C0023976, MeSH D008133, MONDO:0002442. Disease mechanism: loss of function. Inheritance: Various modes of inheritance.

Allele frequency attached by ClinVar (database versions not stated): gnomAD exomes below 0.00001; TOPMed below 0.00001.
gnomAD v4.1: 5 of 1,614,108 alleles (0.00031%); highest among the groups gnomAD compares: East Asian, 0.0022%; no homozygotes.

Submission:

Labcorp Genetics (formerly Invitae), Labcorp
Classification: Uncertain significance for Long QT syndrome. Last evaluated: 2021-10-04. Review status: criteria provided, single submitter. Criteria: Invitae Variant Classification Sherloc (09022015). Collection method: clinical testing. Allele origin: germline.
Comment: In summary, the available evidence is currently insufficient to determine the role of this variant in disease. Therefore, it has been classified as a Variant of Uncertain Significance. Algorithms developed to predict the effect of missense changes on protein structure and function are either unavailable or do not agree on the potential impact of this missense change (SIFT: "Tolerated"; PolyPhen-2: "Probably Damaging"; Align-GVGD: "Class C0"). This variant has not been reported in the literature in individuals affected with ANK2-related conditions. This variant is not present in population databases (ExAC no frequency). This sequence change replaces lysine with glutamic acid at codon 1769 of the ANK2 protein (p.Lys1769Glu). The lysine residue is moderately conserved and there is a small physicochemical difference between lysine and glutamic acid.